The following is an entry in ClinVar:

ClinVar aggregate classification (germline): Likely benign. Review status: criteria provided, multiple submitters, no conflicts (2 of 4 stars). 2 submissions from 2 submitters: Likely benign (2). Last evaluated 2026-05-01.

Allele frequency attached by ClinVar (database versions not stated): gnomAD 0.00001; ExAC 0.00002; gnomAD exomes 0.00002; TOPMed 0.00002.
gnomAD v4.1: 14 of 1,613,520 alleles (0.00087%); highest among the groups gnomAD compares: Admixed American, 0.023%; no homozygotes.

Submissions (2):

CeGaT Center for Human Genetics Tuebingen
Classification: Likely benign. Last evaluated: 2026-05-01. Review status: criteria provided, single submitter. Criteria: CeGaT Center For Human Genetics Tuebingen Variant Classification Criteria Version 2. Collection method: clinical testing. Allele origin: germline. Affected: yes. Observed: 1 variant allele.
Comment: UNC80: BP4, BP7

Labcorp Genetics (formerly Invitae), Labcorp
Classification: Likely benign. Last evaluated: 2025-07-14. Review status: criteria provided, single submitter. Criteria: Invitae Variant Classification Sherloc (09022015). Collection method: clinical testing. Allele origin: germline.

NM_001371986.1(UNC80):c.606T>C (p.Ser202=)

Gene: UNC80 (unc-80 subunit of NALCN channel complex; plus strand). Cytogenetic location: 2q34.
Variant type: single nucleotide variant.
Coding change: c.606T>C on transcript NM_001371986.1 (MANE Select); coding-DNA position 606, T replaced by C.
Protein change: p.Ser202=; no amino-acid change (serine 202 retained).
Molecular consequence: synonymous variant.
Genome position (GRCh38, 1-based): chr2:209,786,071, T>C. VCF-style: chr2-209786071-T-C. GRCh37 (hg19) VCF-style: chr2-210650795-T-C.
Other names: c.606T>C, p.Ser202= (NM_032504.2, NM_182587.4).
Identifiers: ClinVar variation 1978792 (VCV001978792.6), dbSNP rs745766965, ClinGen allele CA2082792.
Genomic context (GRCh38, chr2:209,786,071, plus strand): 5'-TTTAAGCAGCTGTTACATGTCAGTTATTGGACATATATCTTCTCCTCCCCCCTAGGAATC[T>C]GACCTCACCTTCCGTCTGGCCAGTGGGCTTGTTATATGGCAGCCCATGTGGGAACACAGA-3'
Protein context (NP_001358915.1, residues 192-212): FAPLVHRIKE[Ser202=]DLTFRLASGL